The following is an entry in ClinVar:

ClinVar aggregate classification (germline): Uncertain significance (1 of 4 stars; one submission).

Allele frequency attached by ClinVar (database versions not stated): gnomAD exomes below 0.00001; TOPMed below 0.00001.
gnomAD v4.1: 1 of 1,612,198 alleles (0.000062%); highest among the groups gnomAD compares: East Asian, 0.0022%; no homozygotes.

Submission:

Labcorp Genetics (formerly Invitae), Labcorp
Classification: Uncertain significance. Last evaluated: 2023-08-11. Review status: criteria provided, single submitter. Criteria: Invitae Variant Classification Sherloc (09022015). Collection method: clinical testing. Allele origin: germline.
Comment: In summary, the available evidence is currently insufficient to determine the role of this variant in disease. Therefore, it has been classified as a Variant of Uncertain Significance. Advanced modeling of protein sequence and biophysical properties (such as structural, functional, and spatial information, amino acid conservation, physicochemical variation, residue mobility, and thermodynamic stability) performed at Invitae indicates that this missense variant is not expected to disrupt WFS1 protein function. This variant has not been reported in the literature in individuals affected with WFS1-related conditions. This variant is not present in population databases (gnomAD no frequency). This sequence change replaces phenylalanine, which is neutral and non-polar, with leucine, which is neutral and non-polar, at codon 516 of the WFS1 protein (p.Phe516Leu).

NM_006005.3(WFS1):c.1546T>C (p.Phe516Leu)

Gene: WFS1 (wolframin ER transmembrane glycoprotein; plus strand). Cytogenetic location: 4p16.1.
Variant type: single nucleotide variant.
Coding change: c.1546T>C on transcript NM_006005.3 (MANE Select); coding-DNA position 1546, T replaced by C.
Protein change: p.Phe516Leu; replaces phenylalanine 516 with leucine.
Molecular consequence: missense variant.
Genome position (GRCh38, 1-based): chr4:6,301,341, T>C. VCF-style: chr4-6301341-T-C. GRCh37 (hg19) VCF-style: chr4-6303068-T-C.
Other names: c.1546T>C, p.Phe516Leu (NM_001145853.1); short protein forms F516L.
Identifiers: ClinVar variation 2794872 (VCV002794872.3), dbSNP rs1730901239, ClinGen allele CA356175902.
Genomic context (GRCh38, chr4:6,301,341, plus strand): 5'-CTGGTCGTCCTCAACGTCAGCGTCCCGTGCCTGCTCTATGTCTACCTGCTCTATCTCTTC[T>C]TCCGCATGGCACAGCTGAGGAATTTCAAGGGCACCTACTGCTACCTTGTGCCCTACCTGG-3'
Protein context (NP_005996.2, residues 506-526): LLYVYLLYLF[Phe516Leu]RMAQLRNFKG